The following is an entry in ClinVar:

NM_001323289.2(CDKL5):c.-163+13G>A

Gene: CDKL5 (cyclin dependent kinase like 5; plus strand). Cytogenetic location: Xp22.13.
Variant type: single nucleotide variant.
Coding change: c.-163+13G>A on transcript NM_001323289.2 (MANE Select); 13 bases into the intron after 163 bases upstream of the start codon, G replaced by A.
Molecular consequence: intron variant.
Genome position (GRCh38, 1-based): chrX:18,425,708, G>A. VCF-style: chrX-18425708-G-A. GRCh37 (hg19) VCF-style: chrX-18443828-G-A.
Other names: c.-163+13G>A (NM_003159.3).
Identifiers: ClinVar variation 509242 (VCV000509242.1), dbSNP rs913326290, ClinGen allele CA327351990.

ClinVar aggregate classification (germline): Likely benign (1 of 4 stars; one submission).

Allele frequency attached by ClinVar (database versions not stated): gnomAD 0.00001; 1000 Genomes Project 30x 0.00021.

Submission:

GeneDx
Classification: Likely benign. Last evaluated: 2017-11-28. Review status: criteria provided, single submitter. Criteria: GeneDx Variant Classification (06012015). Collection method: clinical testing. Allele origin: germline. Affected: yes.
Comment: This variant is considered likely benign or benign based on one or more of the following criteria: it is a conservative change, it occurs at a poorly conserved position in the protein, it is predicted to be benign by multiple in silico algorithms, and/or has population frequency not consistent with disease.